The following is an entry in ClinVar:

ClinVar aggregate classification (germline): Pathogenic (1 of 4 stars; one submission).

Conditions:
Familial adenomatous polyposis 2. Also called: FAP type 2; COLORECTAL ADENOMATOUS POLYPOSIS, AUTOSOMAL RECESSIVE; ADENOMAS, MULTIPLE COLORECTAL, AUTOSOMAL RECESSIVE; MYH-associated polyposis; Adenomas, multiple colorectal; MUTYH-associated polyposis. Identifiers: Orphanet 220460, Orphanet 247798, MedGen C3272841, MONDO:0012041, OMIM 608456.

Submission:

Labcorp Genetics (formerly Invitae), Labcorp
Classification: Pathogenic for Familial adenomatous polyposis 2. Last evaluated: 2024-04-09. Review status: criteria provided, single submitter. Criteria: Invitae Variant Classification Sherloc (09022015). Collection method: clinical testing. Allele origin: germline.
Comment: This sequence change creates a premature translational stop signal (p.Gly457Metfs*11) in the MUTYH gene. It is expected to result in an absent or disrupted protein product. Loss-of-function variants in MUTYH are known to be pathogenic (PMID: 18534194, 20663686). This variant is not present in population databases (gnomAD no frequency). This variant has not been reported in the literature in individuals affected with MUTYH-related conditions. Algorithms developed to predict the effect of sequence changes on RNA splicing suggest that this variant may disrupt the consensus splice site. For these reasons, this variant has been classified as Pathogenic.

Literature cited by the submitters: PubMed 18534194; PubMed 20663686.

NM_001048174.2(MUTYH):c.1283_1284dup (p.Gly429fs)

Gene: MUTYH (mutY DNA glycosylase; minus strand). Cytogenetic location: 1p34.1.
Variant type: Microsatellite.
Coding change: c.1283_1284dup on transcript NM_001048174.2 (MANE Select); coding-DNA positions 1283 to 1284, 2 bases duplicated (AT; older notation c.1283_1284dupAT).
Protein change: p.Gly429fs; shifts the reading frame from glycine 429.
Molecular consequence: frameshift variant. On other transcripts: non-coding transcript variant (7).
Genome position (GRCh38, 1-based): chr1:45,331,290-45,331,291, AT duplicated on the plus strand (AT on the coding strand, the reverse complement: MUTYH is on the minus strand); duplicating any 2 consecutive bases within chr1:45,331,290-45,331,294 gives the same sequence; the c. name uses the placement nearest the transcript's 3' end. VCF-style (leftmost placement, unchanged base first): chr1-45331289-C-CAT. GRCh37 (hg19) VCF-style: chr1-45796961-C-CAT.
Other names: c.1283_1284dup, p.Gly429fs (NM_001048171.2, NM_001048173.2, NM_001293195.2 and 6 more transcripts); c.1286_1287dup, p.Gly430fs (NM_001048172.2, NM_001407071.1, NM_001407078.1 and 1 more transcripts); c.1367_1368dup, p.Gly457fs (NM_001128425.2); c.1328_1329dup, p.Gly444fs (NM_001293190.2); c.1316_1317dup, p.Gly440fs (NM_001293191.2, NM_001407069.1, NM_001407077.1); c.1007_1008dup, p.Gly337fs (NM_001293192.2, NM_001293196.2, NM_001407091.1); c.938_939dup, p.Gly314fs (NM_001350650.2, NM_001350651.2, NM_001407082.1); c.1199_1200dup, p.Gly401fs (NM_001407075.1); and 5 more; short protein forms G314fs, G337fs, G401fs, G429fs, G443fs, G444fs, G454fs, G416fs.
Identifiers: ClinVar variation 3649266 (VCV003649266.2).